The following is an entry in ClinVar:

ClinVar aggregate classification (germline): Likely pathogenic (1 of 4 stars; one submission).

Submission:

GeneDx
Classification: Likely pathogenic. Last evaluated: 2025-09-16. Review status: criteria provided, single submitter. Criteria: GeneDx Variant Classification Process June 2021. Collection method: clinical testing. Allele origin: germline. Affected: yes.
Comment: Frameshift variant predicted to result in protein truncation or nonsense mediated decay in a gene for which loss of function is a known mechanism of disease; Not observed at significant frequency in large population cohorts (gnomAD); Has not been previously published as pathogenic or benign to our knowledge

NM_004830.4(MED23):c.3508_3511del (p.Val1171fs)

Gene: MED23 (mediator complex subunit 23; minus strand). Cytogenetic location: 6q23.2.
Variant type: Deletion.
Coding change: c.3508_3511del on transcript NM_004830.4 (MANE Select); coding-DNA positions 3508 to 3511, 4 bases deleted (AGTG; older notation c.3508_3511delAGTG).
Protein change: p.Val1171fs; shifts the reading frame from valine 1171.
Molecular consequence: frameshift variant.
Genome position (GRCh38, 1-based): chr6:131,591,488-131,591,491, CACT deleted on the plus strand (AGTG on the coding strand, the reverse complement: MED23 is on the minus strand); deleting any 4 consecutive bases within chr6:131,591,488-131,591,494 gives the same sequence; the c. name uses the placement nearest the transcript's 3' end. VCF-style (leftmost placement, unchanged base first): chr6-131591487-ACACT-A. GRCh37 (hg19) VCF-style: chr6-131912627-ACACT-A.
Other names: c.3508_3511del, p.Val1171fs (NM_001270521.2, NM_001270522.2); c.3526_3529del, p.Val1177fs (NM_001376517.1, NM_015979.4); c.3454_3457del, p.Val1153fs (NM_001376518.1); c.3370_3373del, p.Val1125fs (NM_001376519.1, NM_001376521.1); c.3367_3370del, p.Val1124fs (NM_001376520.1); c.3337_3340del, p.Val1114fs (NM_001376522.1); c.3253_3256del, p.Val1086fs (NM_001376523.1); c.3121_3124del, p.Val1042fs (NM_001376524.1); short protein forms V1042fs, V1086fs, V1114fs, V1124fs, V1125fs, V1153fs, V1171fs, V1177fs.
Identifiers: ClinVar variation 1327674 (VCV001327674.3), dbSNP rs1562370843, ClinGen allele CA915374368.